The following is an entry in ClinVar:

ClinVar aggregate classification (germline): Uncertain significance (1 of 4 stars; one submission).

Conditions:
Hereditary cancer-predisposing syndrome. Also called: Neoplastic Syndromes, Hereditary; Tumor predisposition; Hereditary neoplastic syndrome; Hereditary Cancer Syndrome. Identifiers: Orphanet 140162, MedGen C0027672, MeSH D009386, MONDO:0015356.

Submission:

Ambry Genetics
Classification: Uncertain significance for Hereditary cancer-predisposing syndrome. Last evaluated: 2024-01-30. Review status: criteria provided, single submitter. Criteria: Ambry Variant Classification Scheme 2023. Collection method: clinical testing. Allele origin: germline.
Comment: The p.L1083Q variant (also known as c.3248T>A), located in coding exon 27 of the TSC2 gene, results from a T to A substitution at nucleotide position 3248. The leucine at codon 1083 is replaced by glutamine, an amino acid with dissimilar properties. This amino acid position is conserved. In addition, this alteration is predicted to be deleterious by in silico analysis. Based on the available evidence, the clinical significance of this alteration remains unclear.

NM_000548.5(TSC2):c.3248T>A (p.Leu1083Gln)

Gene: TSC2 (TSC complex subunit 2; plus strand). Cytogenetic location: 16p13.3.
Variant type: single nucleotide variant.
Coding change: c.3248T>A on transcript NM_000548.5 (MANE Select); coding-DNA position 3248, T replaced by A.
Protein change: p.Leu1083Gln; replaces leucine 1083 with glutamine.
Molecular consequence: missense variant. On other transcripts: non-coding transcript variant (5).
Genome position (GRCh38, 1-based): chr16:2,079,392, T>A. VCF-style: chr16-2079392-T-A. GRCh37 (hg19) VCF-style: chr16-2129393-T-A.
Other names: c.3116T>A, p.Leu1039Gln (NM_001077183.3, NM_001370404.1, NM_001406665.1); c.3248T>A, p.Leu1083Gln (NM_001114382.3); c.3008T>A, p.Leu1003Gln (NM_001318827.2); c.2972T>A, p.Leu991Gln (NM_001318829.2); c.2516T>A, p.Leu839Gln (NM_001318831.2, NM_001406687.1, NM_001406688.1); c.3149T>A, p.Leu1050Gln (NM_001318832.2); c.3119T>A, p.Leu1040Gln (NM_001363528.2, NM_001370405.1, NM_021055.3); c.3245T>A, p.Leu1082Gln (NM_001406663.1, NM_001406664.1); and 18 more; short protein forms L1002Q, L1003Q, L1020Q, L1033Q, L1034Q, L1035Q, L1036Q, L1039Q.
Identifiers: ClinVar variation 3232138 (VCV003232138.1), dbSNP rs2089839896, ClinGen allele CA394286118.
Genomic context (GRCh38, chr16:2,079,392, plus strand): 5'-GGAACAAGCTTGTCACTGTGACGACAAGCGTGGGAACCGGGACCCGGTCGTTACTAGGCC[T>A]GGACTCGGGGGAGCTGCAGTCCGGCCCGGAGTCGAGGTGACTGCACCTTCCTTTCCTCCG-3'
Protein context (NP_000539.2, residues 1073-1093): VGTGTRSLLG[Leu1083Gln]DSGELQSGPE